The following is an entry in ClinVar:

ClinVar aggregate classification (germline): Uncertain significance (1 of 4 stars; one submission).

Allele frequency attached by ClinVar (database versions not stated): TOPMed below 0.00001; gnomAD 0.00001.
gnomAD v4.1: 1 of 1,613,476 alleles (0.000062%); highest among the groups gnomAD compares: Non-Finnish European, 0.000085%; no homozygotes.

Submission:

Labcorp Genetics (formerly Invitae), Labcorp
Classification: Uncertain significance. Last evaluated: 2021-12-28. Review status: criteria provided, single submitter. Criteria: Invitae Variant Classification Sherloc (09022015). Collection method: clinical testing. Allele origin: germline.
Comment: This sequence change replaces glutamic acid, which is acidic and polar, with valine, which is neutral and non-polar, at codon 943 of the RAI1 protein (p.Glu943Val). This variant is not present in population databases (gnomAD no frequency). This variant has not been reported in the literature in individuals affected with RAI1-related conditions. Algorithms developed to predict the effect of missense changes on protein structure and function are either unavailable or do not agree on the potential impact of this missense change (SIFT: "Deleterious"; PolyPhen-2: "Probably Damaging"; Align-GVGD: "Class C15"). In summary, the available evidence is currently insufficient to determine the role of this variant in disease. Therefore, it has been classified as a Variant of Uncertain Significance.

NM_030665.4(RAI1):c.2828A>T (p.Glu943Val)

Gene: RAI1 (retinoic acid induced 1; plus strand). Cytogenetic location: 17p11.2.
Variant type: single nucleotide variant.
Coding change: c.2828A>T on transcript NM_030665.4 (MANE Select); coding-DNA position 2828, A replaced by T.
Protein change: p.Glu943Val; replaces glutamic acid 943 with valine.
Molecular consequence: missense variant.
Genome position (GRCh38, 1-based): chr17:17,795,776, A>T. VCF-style: chr17-17795776-A-T. GRCh37 (hg19) VCF-style: chr17-17699090-A-T.
Other names: short protein forms E943V.
Identifiers: ClinVar variation 1901376 (VCV001901376.5), dbSNP rs2032215945, ClinGen allele CA398552081.
Genomic context (GRCh38, chr17:17,795,776, plus strand): 5'-AGTCCGTCATCCTGCTGGGCCCTACAGTGGGCACCGAGTCAAAGGTCCAGAGCTGGTTTG[A>T]GTCCTCTCTGTCACACATGAAGCCAGGTGAAGAGGGGCCTGATGGGGAGCGAGCTCCAGG-3'
Protein context (NP_109590.3, residues 933-953): GTESKVQSWF[Glu943Val]SSLSHMKPGE